The following is an entry in ClinVar:

ClinVar aggregate classification (germline): Uncertain significance. Review status: criteria provided, multiple submitters, no conflicts (2 of 4 stars). 2 submissions from 2 submitters: Uncertain significance (2). Last evaluated 2021-11-22.

Conditions:
Hereditary nonpolyposis colorectal neoplasms. Identifiers: MedGen C0009405, MeSH D003123.
Hereditary cancer-predisposing syndrome. Also called: Neoplastic Syndromes, Hereditary; Tumor predisposition; Hereditary neoplastic syndrome; Hereditary Cancer Syndrome. Identifiers: Orphanet 140162, MedGen C0027672, MeSH D009386, MONDO:0015356.

Submissions (2):

Labcorp Genetics (formerly Invitae), Labcorp
Classification: Uncertain significance for Hereditary nonpolyposis colorectal neoplasms. Last evaluated: 2021-11-22. Review status: criteria provided, single submitter. Criteria: Invitae Variant Classification Sherloc (09022015). Collection method: clinical testing. Allele origin: germline.
Comment: Algorithms developed to predict the effect of missense changes on protein structure and function are either unavailable or do not agree on the potential impact of this missense change (SIFT: "Not Available"; PolyPhen-2: "Benign"; Align-GVGD: "Not Available"). ClinVar contains an entry for this variant (Variation ID: 825785). This variant has not been reported in the literature in individuals affected with MSH6-related conditions. Information on the frequency of this variant in the gnomAD database is not available, as this variant may be reported differently in the database. This sequence change replaces aspartic acid, which is acidic and polar, with phenylalanine, which is neutral and non-polar, at codon 19 of the MSH6 protein (p.Asp19Phe). In summary, the available evidence is currently insufficient to determine the role of this variant in disease. Therefore, it has been classified as a Variant of Uncertain Significance.

Ambry Genetics
Classification: Uncertain significance for Hereditary cancer-predisposing syndrome. Last evaluated: 2017-12-06. Review status: criteria provided, single submitter. Criteria: Ambry Variant Classification Scheme 2023. Collection method: clinical testing. Allele origin: germline.
Comment: The c.55_56delGAinsTT variant, located in coding exon 1 of the MSH6 gene, results from an in-frame deletion of GA and insertion of TT at nucleotide positions 55 to 56. This results in the substitution of the aspartic acid residue for a phenylalanine residue at codon 19, an amino acid with highly dissimilar properties. This amino acid position is poorly conserved in available vertebrate species. Since supporting evidence is limited at this time, the clinical significance of this alteration remains unclear.

NM_000179.3(MSH6):c.55_56delinsTT (p.Asp19Phe)

Gene: MSH6 (mutS homolog 6; plus strand). Cytogenetic location: 2p16.3.
Variant type: Indel.
Coding change: c.55_56delinsTT on transcript NM_000179.3 (MANE Select); coding-DNA positions 55 to 56, GA replaced by TT.
Protein change: p.Asp19Phe; replaces aspartic acid 19 with phenylalanine.
Molecular consequence: missense variant. On other transcripts: 5 prime UTR variant (1).
Genome position (GRCh38, 1-based): chr2:47,783,288-47,783,289, GA replaced by TT. VCF-style: chr2-47783288-GA-TT. GRCh37 (hg19) VCF-style: chr2-48010427-GA-TT.
Other names: c.55_56delinsTT, p.Asp19Phe (NM_001281492.2); c.-682_-681delinsTT (NM_001281493.2); short protein forms D19F.
Identifiers: ClinVar variation 825785 (VCV000825785.11), dbSNP rs1572697844, ClinGen allele CA915943787.